The following is an entry in ClinVar:

ClinVar aggregate classification (germline): Pathogenic/Likely pathogenic. Review status: criteria provided, multiple submitters, no conflicts (2 of 4 stars). 9 submissions from 9 submitters: Pathogenic (7); Likely pathogenic (2). Last evaluated 2025-09-26.

Conditions:
GLDC-related disorder. Also called: GLDC-related condition.
Glycine encephalopathy. Also called: Non-ketotic hyperglycinemia; Nonketotic hyperglycinemia. Identifiers: Orphanet 407, MedGen C0751748, MONDO:0011612, HP:0008288.
GLDC-related disorders.
Glycine encephalopathy 1 (GCE1). Identifiers: MedGen CN376801, MONDO:0958179, OMIM 605899.

Allele frequency attached by ClinVar (database versions not stated): ExAC 0.00003; gnomAD 0.00003 and 0.00004; TOPMed 0.00004; gnomAD exomes 0.00005; 1000 Genomes Project 30x 0.00047; 1000 Genomes Project 0.00060.
gnomAD v4.1: 75 of 1,613,942 alleles (0.0046%); highest among the groups gnomAD compares: Admixed American, 0.05%; no homozygotes.

Submissions (9):

Natera, Inc.
Classification: Pathogenic for Non-ketotic hyperglycinemia. Last evaluated: 2025-09-26. Review status: criteria provided, single submitter. Criteria: Natera Variant Classification Schema (03/2026). Collection method: clinical testing. Allele origin: germline.
Comment: The c.2714T>G variant in GLDC is a missense variant predicted to cause substitution of valine to glycine at amino acid 905. This variant is rare in the general population with a frequency below the threshold expected for the associated phenotype(s). This variant has been observed in one or more individuals affected with the associated recessive disease, as either homozygous or compound heterozygous with a second variant (PMID: 40717329, 27362913, 28244183, 16450403, 26179960, 28759667). Functional studies show that this variant may disrupt protein function (PMID: 28244183). Computational prediction algorithms indicate this variant is likely to affect gene or protein function. Given the available evidence, this variant is classified as Pathogenic.

Labcorp Genetics (formerly Invitae), Labcorp
Classification: Pathogenic for Glycine encephalopathy. Last evaluated: 2025-05-02. Review status: criteria provided, single submitter. Criteria: Invitae Variant Classification Sherloc (09022015). Collection method: clinical testing. Allele origin: germline.
Comment: This sequence change replaces valine, which is neutral and non-polar, with glycine, which is neutral and non-polar, at codon 905 of the GLDC protein (p.Val905Gly). This variant is present in population databases (rs188269735, gnomAD 0.04%). This missense change has been observed in individual(s) with non-ketotic hypoglycemia (PMID: 16450403, 26179960, 28244183). In at least one individual the data is consistent with being in trans (on the opposite chromosome) from a pathogenic variant. ClinVar contains an entry for this variant (Variation ID: 639955). Invitae Evidence Modeling of protein sequence and biophysical properties (such as structural, functional, and spatial information, amino acid conservation, physicochemical variation, residue mobility, and thermodynamic stability) indicates that this missense variant is expected to disrupt GLDC protein function with a positive predictive value of 95%. Experimental studies have shown that this missense change affects GLDC function (PMID: 28244183). For these reasons, this variant has been classified as Pathogenic.

Rady Children's Institute for Genomic Medicine, Rady Children's Hospital San Diego
Classification: Pathogenic for Glycine encephalopathy 1. Last evaluated: 2025-04-02. Review status: criteria provided, single submitter. Criteria: ACMG Guidelines, 2015. Collection method: clinical testing. Allele origin: germline. Affected: yes.
Comment: The c.2714T>G (p.Val905Gly) variant affects a weakly conserved amino acid; however, in silico analyses predict a deleterious effect on protein function. This variant has been previously reported as a compound heterozygous change in patients with glycine encephalopathy, also known as nonketotic hyperglycinemia (PMID: 16450403, 26179960, 28244183, 27362913). Functional studies demonstrated that the c.2714T>G (p.Val905Gly) variant results in reduced glycine cleavage system P-protein exchange activity as compared to wild-type (PMID: 28244183). The c.2714T>G (p.Val905Gly) variant is present in the latest version of the gnomAD population database at an allele frequency of 0.005% (75/1613942), and is absent in the homozygous state, thus is presumed to be rare. Based on the available evidence, c.2714T>G (p.Val905Gly) is classified as Pathogenic.

PreventionGenetics, part of Exact Sciences
Classification: Pathogenic for GLDC-related condition. Last evaluated: 2025-01-09. Review status: criteria provided, single submitter. Criteria: ACMG Guidelines, 2015. Collection method: clinical testing. Allele origin: germline.
Comment: The GLDC c.2714T>G variant is predicted to result in the amino acid substitution p.Val905Gly. This variant has been reported in the compound heterozygous or homozygous state in individuals with glycine encephalopathy (Non-Ketotic Hyperglycinemia) (see, for example: Kure et al. 2006. PubMed ID: 16450403; Swanson et al. 2015. PubMed ID: 26179960; Bravo-Alonso et al. 2017. PubMed ID: 28244183; Coughlin et al. 2017. PubMed ID: 27362913). Functional studies in COS7 cell lines showed that the p.Val905Gly variant results in significantly reduced GCS P-protein activity compared to wildtype (Bravo-Alonso et al. 2017. PubMed ID: 28244183). This variant is reported in 0.032% of alleles in individuals of Latino descent in gnomAD. Taken together, this variant is interpreted as pathogenic.

Fulgent Genetics
Classification: Likely pathogenic for Glycine encephalopathy 1. Last evaluated: 2024-05-10. Review status: criteria provided, single submitter. Criteria: ACMG Guidelines, 2015. Collection method: clinical testing. Allele origin: germline.

Blueprint Genetics
Classification: Pathogenic for GLDC-related disorders. Last evaluated: 2023-06-19. Review status: criteria provided, single submitter. Criteria: ACMG Guidelines, 2015. Collection method: clinical testing. Allele origin: germline. Affected: yes. Observed: 4 variant alleles.

Women's Health and Genetics/Laboratory Corporation of America, LabCorp
Classification: Pathogenic for Glycine encephalopathy. Last evaluated: 2022-11-10. Review status: criteria provided, single submitter. Criteria: LabCorp Variant Classification Summary - May 2015. Collection method: clinical testing. Allele origin: germline.
Comment: Variant summary: GLDC c.2714T>G (p.Val905Gly) results in a non-conservative amino acid change in the encoded protein sequence. Four of five in-silico tools predict a damaging effect of the variant on protein function. The variant allele was found at a frequency of 4.8e-05 in 250296 control chromosomes. This frequency is not significantly higher than estimated for a pathogenic variant in GLDC causing Glycine Encephalopathy (Non-Ketotic Hyperglycinemia) (4.8e-05 vs 0.0031), allowing no conclusion about variant significance. c.2714T>G has been reported in the literature as a biallelic (homozygous or compound heterozygous) genotype in multiple individuals affected with Glycine Encephalopathy (Non-Ketotic Hyperglycinemia) (example, Coughlin_2017, Bravo-Alonso_2017). These data indicate that the variant is very likely to be associated with disease. At least one publication reports experimental evidence evaluating an impact on protein function (Bravo-Alonso_2017). The most pronounced variant effect results in 1-10% of normal P-protein exchange activity in-vitro. Four clinical diagnostic laboratories have submitted clinical-significance assessments for this variant to ClinVar after 2014 without evidence for independent evaluation. All laboratories classified the variant as pathogenic/likely pathogenic. Based on the evidence outlined above, the variant was classified as pathogenic.

Revvity Omics, Revvity
Classification: Likely pathogenic for Glycine encephalopathy 1. Last evaluated: 2020-03-31. Review status: criteria provided, single submitter. Criteria: ACMG Guidelines, 2015. Collection method: clinical testing. Allele origin: germline.

CeGaT Center for Human Genetics Tuebingen
Classification: Pathogenic. Last evaluated: 2016-10-01. Review status: criteria provided, single submitter. Criteria: CeGaT Center For Human Genetics Tuebingen Variant Classification Criteria Version 2. Collection method: clinical testing. Allele origin: germline. Affected: yes. Observed: 1 variant allele.

Literature cited by the submitters: PubMed 40717329 (cited by Natera, Inc.); PubMed 27362913 (cited by 3 submitters); PubMed 28244183 (cited by 4 submitters); PubMed 16450403 (cited by 3 submitters); PubMed 26179960 (cited by 3 submitters); PubMed 28759667 (cited by Natera, Inc.).

NM_000170.3(GLDC):c.2714T>G (p.Val905Gly)

Gene: GLDC (glycine decarboxylase; minus strand). Cytogenetic location: 9p24.1.
Variant type: single nucleotide variant.
Coding change: c.2714T>G on transcript NM_000170.3 (MANE Select); coding-DNA position 2714, T replaced by G.
Protein change: p.Val905Gly; replaces valine 905 with glycine.
Molecular consequence: missense variant.
Genome position (GRCh38, 1-based): chr9:6,536,188, A>C on the plus strand (T>G on the coding strand, the complement: GLDC is on the minus strand). VCF-style: chr9-6536188-A-C. GRCh37 (hg19) VCF-style: chr9-6536188-A-C.
Other names: short protein forms V905G.
Identifiers: ClinVar variation 639955 (VCV000639955.61), dbSNP rs188269735, ClinGen allele CA4980088.
Genomic context (GRCh38, chr9:6,536,188, plus strand): 5'-CTGATCATGGCATCACAGAATCTGTCCAGCTCTGCCTTGTCCTCCGACTCAGTGGGCTCC[A>C]CCATGAGGGTCCCTGCCACAGGCCAGGACATGGTAGGGGCGTGAAATCCTGCAAAGGGAG-3'
Protein context (NP_000161.2, residues 895-915): MSWPVAGTLM[Val905Gly]EPTESEDKAE